The following is an entry in ClinVar:

ClinVar aggregate classification (germline): Likely benign (0 of 4 stars; one submission).

Conditions:
PDX1-related disorder. Also called: PDX1-related disorders; PDX1-related condition.

Allele frequency attached by ClinVar (database versions not stated): gnomAD 0.00007; TOPMed 0.00007; 1000 Genomes Project 30x 0.00016; 1000 Genomes Project 0.00020.

Submission:

PreventionGenetics, part of Exact Sciences
Classification: Likely benign for PDX1-related condition. Last evaluated: 2020-09-21. Review status: no assertion criteria provided. Collection method: clinical testing. Allele origin: germline.
Comment: This variant is classified as likely benign based on ACMG/AMP sequence variant interpretation guidelines (Richards et al. 2015 PMID: 25741868, with internal and published modifications).

NM_000209.4(PDX1):c.786G>T (p.Pro262=)

Gene: PDX1 (pancreatic and duodenal homeobox 1; plus strand). Cytogenetic location: 13q12.2.
Variant type: single nucleotide variant.
Coding change: c.786G>T on transcript NM_000209.4 (MANE Select); coding-DNA position 786, G replaced by T.
Protein change: p.Pro262=; no amino-acid change (proline 262 retained).
Molecular consequence: synonymous variant.
Genome position (GRCh38, 1-based): chr13:27,924,635, G>T. VCF-style: chr13-27924635-G-T. GRCh37 (hg19) VCF-style: chr13-28498772-G-T.
Identifiers: ClinVar variation 3046211 (VCV003046211.2), dbSNP rs527882800, ClinGen allele CA247265623.